The following is an entry in ClinVar:

ClinVar aggregate classification (germline): Uncertain significance (1 of 4 stars; one submission).

Conditions:
Hereditary cancer-predisposing syndrome. Also called: Tumor predisposition; Hereditary Cancer Syndrome; Neoplastic Syndromes, Hereditary; Hereditary neoplastic syndrome. Identifiers: Orphanet 140162, MedGen C0027672, MeSH D009386, MONDO:0015356.

Submission:

Color Diagnostics, LLC DBA Color Health
Classification: Uncertain significance for Hereditary cancer-predisposing syndrome. Last evaluated: 2025-06-30. Review status: criteria provided, single submitter. Criteria: ACMG Guidelines, 2015. Collection method: clinical testing. Allele origin: germline.
Comment: This missense variant replaces glycine with arginine at codon 1194 of the BRCA2 protein. Computational prediction suggests that this variant may not impact protein structure and function. To our knowledge, functional studies have not been reported for this variant. This variant has not been reported in individuals affected with BRCA2-related disorders in the literature. This variant has not been identified in the general population by the Genome Aggregation Database (gnomAD). The available evidence is insufficient to determine the role of this variant in disease conclusively. Therefore, this variant is classified as a Variant of Uncertain Significance.

NM_000059.4(BRCA2):c.3580G>C (p.Gly1194Arg)

Gene: BRCA2 (BRCA2 DNA repair associated; plus strand). Cytogenetic location: 13q13.1.
Variant type: single nucleotide variant.
Coding change: c.3580G>C on transcript NM_000059.4 (MANE Select); coding-DNA position 3580, G replaced by C.
Protein change: p.Gly1194Arg; replaces glycine 1194 with arginine.
Molecular consequence: missense variant. On other transcripts: non-coding transcript variant (1), intron variant (2).
Genome position (GRCh38, 1-based): chr13:32,337,935, G>C. VCF-style: chr13-32337935-G-C. GRCh37 (hg19) VCF-style: chr13-32912072-G-C.
Other names: c.3580G>C, p.Gly1194Arg (NM_001406719.1, NM_001406720.1, NM_001432077.1); c.1909+4548G>C (NM_001406721.1); c.425-6623G>C (NM_001406722.1); short protein forms G1194R.
Identifiers: ClinVar variation 4757443 (VCV004757443.1).